The following is an entry in ClinVar:

NM_005739.4(RASGRP1):c.448A>G (p.Met150Val)

Gene: RASGRP1 (RAS guanyl releasing protein 1; minus strand). Cytogenetic location: 15q14.
Variant type: single nucleotide variant.
Coding change: c.448A>G on transcript NM_005739.4 (MANE Select); coding-DNA position 448, A replaced by G.
Protein change: p.Met150Val; replaces methionine 150 with valine.
Molecular consequence: missense variant.
Genome position (GRCh38, 1-based): chr15:38,518,365, T>C on the plus strand (A>G on the coding strand, the complement: RASGRP1 is on the minus strand). VCF-style: chr15-38518365-T-C. GRCh37 (hg19) VCF-style: chr15-38810566-T-C.
Other names: c.448A>G, p.Met150Val (NM_001128602.2, NM_001306086.2); short protein forms M150V.
Identifiers: ClinVar variation 1427264 (VCV001427264.8), dbSNP rs766047781, ClinGen allele CA7471111.

ClinVar aggregate classification (germline): Uncertain significance (1 of 4 stars; one submission).

Allele frequency attached by ClinVar (database versions not stated): gnomAD exomes below 0.00001; TOPMed below 0.00001; ExAC 0.00001; gnomAD 0.00001.

Submission:

Labcorp Genetics (formerly Invitae), Labcorp
Classification: Uncertain significance. Last evaluated: 2021-05-19. Review status: criteria provided, single submitter. Criteria: Invitae Variant Classification Sherloc (09022015). Collection method: clinical testing. Allele origin: germline.
Comment: In summary, the available evidence is currently insufficient to determine the role of this variant in disease. Therefore, it has been classified as a Variant of Uncertain Significance. Algorithms developed to predict the effect of missense changes on protein structure and function output the following: SIFT: "Tolerated"; PolyPhen-2: "Benign"; Align-GVGD: "Class C0". The valine amino acid residue is found in multiple mammalian species, suggesting that this missense change does not adversely affect protein function. These predictions have not been confirmed by published functional studies and their clinical significance is uncertain. This variant has not been reported in the literature in individuals with RASGRP1-related conditions. This variant is present in population databases (rs766047781, ExAC 0.01%). This sequence change replaces methionine with valine at codon 150 of the RASGRP1 protein (p.Met150Val). The methionine residue is highly conserved and there is a small physicochemical difference between methionine and valine.